The following is an entry in ClinVar:

ClinVar aggregate classification (germline): Uncertain significance (1 of 4 stars; one submission).

Allele frequency attached by ClinVar (database versions not stated): gnomAD exomes below 0.00001; TOPMed below 0.00001; gnomAD 0.00001.
gnomAD v4.1: 2 of 1,128,806 alleles (0.00018%); highest among the groups gnomAD compares: Non-Finnish European, 0.00023%; no homozygotes.

Submission:

Labcorp Genetics (formerly Invitae), Labcorp
Classification: Uncertain significance. Last evaluated: 2022-08-16. Review status: criteria provided, single submitter. Criteria: Invitae Variant Classification Sherloc (09022015). Collection method: clinical testing. Allele origin: germline.
Comment: In summary, the available evidence is currently insufficient to determine the role of this variant in disease. Therefore, it has been classified as a Variant of Uncertain Significance. Algorithms developed to predict the effect of missense changes on protein structure and function (SIFT, PolyPhen-2, Align-GVGD) all suggest that this variant is likely to be tolerated. ClinVar contains an entry for this variant (Variation ID: 1018144). This variant has not been reported in the literature in individuals affected with NYX-related conditions. This variant is not present in population databases (gnomAD no frequency). This sequence change replaces alanine, which is neutral and non-polar, with valine, which is neutral and non-polar, at codon 144 of the NYX protein (p.Ala144Val).

NM_001378477.3(NYX):c.416C>T (p.Ala139Val)

Gene: NYX (nyctalopin; plus strand). Cytogenetic location: Xp11.4.
Variant type: single nucleotide variant.
Coding change: c.416C>T on transcript NM_001378477.3 (MANE Select); coding-DNA position 416, C replaced by T.
Protein change: p.Ala139Val; replaces alanine 139 with valine.
Molecular consequence: missense variant.
Genome position (GRCh38, 1-based): chrX:41,473,884, C>T. VCF-style: chrX-41473884-C-T. GRCh37 (hg19) VCF-style: chrX-41333137-C-T.
Other names: c.416C>T, p.Ala139Val (NM_022567.3); short protein forms A139V.
Identifiers: ClinVar variation 1018144 (VCV001018144.8), dbSNP rs1216599965, ClinGen allele CA412990244.